The following is an entry in ClinVar:

ClinVar aggregate classification (germline): Uncertain significance (1 of 4 stars; one submission).

Conditions:
Fanconi anemia (FA). Also called: Fanconi's anemia. Identifiers: Orphanet 84, MedGen C0015625, MeSH D005199, MONDO:0019391.

Allele frequency attached by ClinVar (database versions not stated): gnomAD 0.00001.
gnomAD v4.1: 5 of 1,612,676 alleles (0.00031%); highest among the groups gnomAD compares: Non-Finnish European, 0.00042%; no homozygotes.

Submission:

Sema4
Classification: Uncertain significance for Fanconi anemia. Last evaluated: 2021-08-23. Review status: criteria provided, single submitter. Criteria: Sema4 Curation Guidelines. Collection method: curation. Allele origin: germline.
Comment: The FANCD2 c.70A>G (p.R24G) variant has not been reported in the literature to our knowledge. It was not observed in the large and broad cohorts of the Genome Aggregation Database. The variant has not been reported in ClinVar. In silico tools suggest the impact of the variant on protein function is benign, though these predictions have not been confirmed by functional studies. The evidence is insufficient to meet ACMG/AMP criteria for classifying the variant as benign or pathogenic. Thus, the clinical significance of this variant is currently uncertain.

NM_001018115.3(FANCD2):c.70A>G (p.Arg24Gly)

Genes: FANCD2 (FA complementation group D2; plus strand), LOC107303338 (3p25 FANCD2 Alu-mediated recombination region; plus strand). Cytogenetic location: 3p25.3.
Variant type: single nucleotide variant.
Coding change: c.70A>G on transcript NM_001018115.3 (MANE Select); coding-DNA position 70, A replaced by G.
Protein change: p.Arg24Gly; replaces arginine 24 with glycine.
Molecular consequence: missense variant.
Genome position (GRCh38, 1-based): chr3:10,032,837, A>G. VCF-style: chr3-10032837-A-G. GRCh37 (hg19) VCF-style: chr3-10074521-A-G.
Other names: c.70A>G, p.Arg24Gly (NM_001319984.2, NM_001374253.1, NM_001374254.1 and 2 more transcripts); short protein forms R24G.
Identifiers: ClinVar variation 1692057 (VCV001692057.1), dbSNP rs999832070, ClinGen allele CA70021203.
Genomic context (GRCh38, chr3:10,032,837, plus strand): 5'-GTTTTAATTTTTCCTTTACTATTTGCCATATTCTTGAAAATTTTTCTATTTTCAGAAACC[A>G]GGAAGCAACCACTTTCCAAAAAGACAAAGAAATCTCATATTGCTAATGAAGTTGAAGAAA-3'
Protein context (NP_001018125.1, residues 14-34): ESLTEDASKT[Arg24Gly]KQPLSKKTKK